The following is an entry in ClinVar:

NM_001378452.1(ITPR1):c.1600C>G (p.Pro534Ala)

Gene: ITPR1 (inositol 1,4,5-trisphosphate receptor type 1; plus strand). Cytogenetic location: 3p26.1.
Variant type: single nucleotide variant.
Coding change: c.1600C>G on transcript NM_001378452.1 (MANE Select); coding-DNA position 1600, C replaced by G.
Protein change: p.Pro534Ala; replaces proline 534 with alanine.
Molecular consequence: missense variant.
Genome position (GRCh38, 1-based): chr3:4,665,183, C>G. VCF-style: chr3-4665183-C-G. GRCh37 (hg19) VCF-style: chr3-4706867-C-G.
Other names: c.1600C>G, p.Pro534Ala (NM_001099952.4); c.1555C>G, p.Pro519Ala (NM_001168272.2, NM_002222.7); short protein forms P519A, P534A.
Identifiers: ClinVar variation 4040413 (VCV004040413.2).

ClinVar aggregate classification (germline): Uncertain significance. Review status: criteria provided, multiple submitters, no conflicts (2 of 4 stars). 2 submissions from 2 submitters: Uncertain significance (2). Last evaluated 2025-06-03.

Conditions:
Inborn genetic diseases. Identifiers: MedGen C0950123, MeSH D030342.

Submissions (2):

Ambry Genetics
Classification: Uncertain significance for Inborn genetic diseases. Last evaluated: 2025-06-03. Review status: criteria provided, single submitter. Criteria: Ambry Variant Classification Scheme 2023. Collection method: clinical testing. Allele origin: germline.

GeneDx
Classification: Uncertain significance. Last evaluated: 2025-01-14. Review status: criteria provided, single submitter. Criteria: GeneDx Variant Classification Process June 2021. Collection method: clinical testing. Allele origin: germline. Affected: yes.
Comment: Not observed at significant frequency in large population cohorts (gnomAD); In silico analysis supports that this missense variant has a deleterious effect on protein structure/function; Has not been previously published as pathogenic or benign to our knowledge